The following is an entry in ClinVar:

NM_001382548.1(TCERG1):c.636G>A (p.Gln212=)

Gene: TCERG1 (transcription elongation regulator 1; plus strand). Cytogenetic location: 5q32.
Variant type: single nucleotide variant.
Coding change: c.636G>A on transcript NM_001382548.1 (MANE Select); coding-DNA position 636, G replaced by A.
Protein change: p.Gln212=; no amino-acid change (glutamine 212 retained).
Molecular consequence: synonymous variant. On other transcripts: non-coding transcript variant (52), intron variant (3).
Genome position (GRCh38, 1-based): chr5:146,459,081, G>A. VCF-style: chr5-146459081-G-A. GRCh37 (hg19) VCF-style: chr5-145838644-G-A.
Other names: c.636G>A, p.Gln212= (NM_001040006.2, NM_001400077.1, NM_001400084.1 and 7 more transcripts); c.579G>A, p.Gln193= (NM_001400082.1); c.576G>A, p.Gln192= (NM_001400092.1); c.594+42G>A (NM_001400098.1); c.577-19G>A (NM_001400083.1); c.558+78G>A (NM_001400096.1).
Identifiers: ClinVar variation 2655882 (VCV002655882.24), dbSNP rs532984875, ClinGen allele CA128897716.
Genomic context (GRCh38, chr5:146,459,081, plus strand): 5'-GGCCCAGGCGCAGGCTCAGGCCCAGGCACAAGCTCAGGCCCAGGCTCAGGCTCAGGCCCA[G>A]GCCCAGGCCCAGGCCCAGGCCCAGGCCCAAGCCCAAGCCCAGGCCCAGGCTCAGGCTCAG-3'
Protein context (NP_001369477.1, residues 202-222): QAQAQAQAQA[Gln212=]AQAQAQAQAQ

ClinVar aggregate classification (germline): Likely benign (1 of 4 stars; one submission).

Allele frequency attached by ClinVar (database versions not stated): 1000 Genomes Project 0.00020.
gnomAD v4.1: 4 of 1,444,656 alleles (0.00028%); highest among the groups gnomAD compares: Non-Finnish European, 0.00038%; no homozygotes.

Submission:

CeGaT Center for Human Genetics Tuebingen
Classification: Likely benign. Last evaluated: 2023-02-01. Review status: criteria provided, single submitter. Criteria: CeGaT Center For Human Genetics Tuebingen Variant Classification Criteria Version 2. Collection method: clinical testing. Allele origin: germline. Affected: yes. Observed: 1 variant allele.
Comment: TCERG1: PM2:Supporting, BP4, BP7